The following is an entry in ClinVar:

ClinVar aggregate classification (germline): Likely benign (1 of 4 stars; one submission).

Conditions:
TRRAP-related disorder. Also called: TRRAP-related condition.

gnomAD v4.1: 4 of 1,614,208 alleles (0.00025%); highest among the groups gnomAD compares: Non-Finnish European, 0.00025%; no homozygotes.

Submission:

PreventionGenetics, part of Exact Sciences
Classification: Likely benign for TRRAP-related condition. Last evaluated: 2026-07-11. Review status: criteria provided, single submitter. Criteria: ACMG Guidelines, 2015. Collection method: clinical testing. Allele origin: germline.
Comment: This variant is classified as likely benign based on ACMG/AMP sequence variant interpretation guidelines (Richards et al. 2015 PMID: 25741868, with internal and published modifications).

NM_001375524.1(TRRAP):c.2583C>G (p.Leu861=)

Gene: TRRAP (transformation/transcription domain associated protein; plus strand). Cytogenetic location: 7q22.1.
Variant type: single nucleotide variant.
Coding change: c.2583C>G on transcript NM_001375524.1 (MANE Select); coding-DNA position 2583, C replaced by G.
Protein change: p.Leu861=; no amino-acid change (leucine 861 retained).
Molecular consequence: synonymous variant.
Genome position (GRCh38, 1-based): chr7:98,917,640, C>G. VCF-style: chr7-98917640-C-G. GRCh37 (hg19) VCF-style: chr7-98515263-C-G.
Other names: c.2583C>G, p.Leu861= (NM_001244580.2, NM_003496.4).
Identifiers: ClinVar variation 4987958 (VCV004987958.1).